The following is an entry in ClinVar:

NM_004984.4(KIF5A):c.260A>G (p.Gln87Arg)

Gene: KIF5A (kinesin family member 5A; plus strand). Cytogenetic location: 12q13.3.
Variant type: single nucleotide variant.
Coding change: c.260A>G on transcript NM_004984.4 (MANE Select); coding-DNA position 260, A replaced by G.
Protein change: p.Gln87Arg; replaces glutamine 87 with arginine.
Molecular consequence: missense variant. On other transcripts: intron variant (1).
Genome position (GRCh38, 1-based): chr12:57,563,662, A>G. VCF-style: chr12-57563662-A-G. GRCh37 (hg19) VCF-style: chr12-57957445-A-G.
Other names: c.130-798A>G (NM_001354705.2); short protein forms Q87R.
Identifiers: ClinVar variation 2016547 (VCV002016547.4), dbSNP rs2540493201, ClinGen allele CA385493467.

ClinVar aggregate classification (germline): Uncertain significance (1 of 4 stars; one submission).

Conditions:
Spastic paraplegia. Identifiers: MedGen C0037772, HP:0001258.

Submission:

Labcorp Genetics (formerly Invitae), Labcorp
Classification: Uncertain significance for Spastic paraplegia. Last evaluated: 2022-09-13. Review status: criteria provided, single submitter. Criteria: Invitae Variant Classification Sherloc (09022015). Collection method: clinical testing. Allele origin: germline.
Comment: Advanced modeling of protein sequence and biophysical properties (such as structural, functional, and spatial information, amino acid conservation, physicochemical variation, residue mobility, and thermodynamic stability) performed at Invitae indicates that this missense variant is expected to disrupt KIF5A protein function. This variant has not been reported in the literature in individuals affected with KIF5A-related conditions. This variant is not present in population databases (gnomAD no frequency). This sequence change replaces glutamine, which is neutral and polar, with arginine, which is basic and polar, at codon 87 of the KIF5A protein (p.Gln87Arg). In summary, the available evidence is currently insufficient to determine the role of this variant in disease. Therefore, it has been classified as a Variant of Uncertain Significance.